The following is an entry in ClinVar:

ClinVar aggregate classification (germline): Uncertain significance (1 of 4 stars; one submission).

Conditions:
Epilepsy, familial focal, with variable foci 3 (FFEVF3). Identifiers: MedGen C4310708, MONDO:0014925, OMIM 617118.

Submission:

Labcorp Genetics (formerly Invitae), Labcorp
Classification: Uncertain significance for Epilepsy, familial focal, with variable foci 3. Last evaluated: 2021-12-22. Review status: criteria provided, single submitter. Criteria: Invitae Variant Classification Sherloc (09022015). Collection method: clinical testing. Allele origin: germline.
Comment: In summary, the available evidence is currently insufficient to determine the role of this variant in disease. Therefore, it has been classified as a Variant of Uncertain Significance. Experimental studies and prediction algorithms are not available or were not evaluated, and the functional significance of this variant is currently unknown. This variant has not been reported in the literature in individuals affected with NPRL3-related conditions. This variant is not present in population databases (gnomAD no frequency). This sequence change replaces glutamic acid, which is acidic and polar, with aspartic acid, which is acidic and polar, at codon 33 of the NPRL3 protein (p.Glu33Asp).

NM_001077350.3(NPRL3):c.99G>C (p.Glu33Asp)

Genes: HBA-LCR (alpha-globin locus control region; plus strand), NPRL3 (NPR3 like, GATOR1 complex subunit; minus strand). Cytogenetic location: 16p13.3.
Variant type: single nucleotide variant.
Coding change: c.99G>C on transcript NM_001077350.3 (MANE Select); coding-DNA position 99, G replaced by C.
Protein change: p.Glu33Asp; replaces glutamic acid 33 with aspartic acid.
Molecular consequence: missense variant. On other transcripts: 5 prime UTR variant (2).
Genome position (GRCh38, 1-based): chr16:138,169, C>G on the plus strand (G>C on the coding strand, the complement: NPRL3 is on the minus strand). VCF-style: chr16-138169-C-G. GRCh37 (hg19) VCF-style: chr16-188168-C-G.
Other names: c.-234G>C (NM_001039476.3); c.-273G>C (NM_001243247.2); c.99G>C, p.Glu33Asp (NM_001243248.2, NM_001243249.2); short protein forms E33D.
Identifiers: ClinVar variation 1504403 (VCV001504403.6), dbSNP rs2141995418, ClinGen allele CA393999516.